The following is an entry in ClinVar:

NM_004211.5(SLC6A5):c.1366C>A (p.Pro456Thr)

Gene: SLC6A5 (solute carrier family 6 member 5; plus strand). Cytogenetic location: 11p15.1.
Variant type: single nucleotide variant.
Coding change: c.1366C>A on transcript NM_004211.5 (MANE Select); coding-DNA position 1366, C replaced by A.
Protein change: p.Pro456Thr; replaces proline 456 with threonine.
Molecular consequence: missense variant.
Genome position (GRCh38, 1-based): chr11:20,626,813, C>A. VCF-style: chr11-20626813-C-A. GRCh37 (hg19) VCF-style: chr11-20648359-C-A.
Other names: c.1366C>A (NM_004211.3); c.664C>A, p.Pro222Thr (NM_001318369.2); short protein forms P222T, P456T.
Identifiers: ClinVar variation 1499766 (VCV001499766.4), dbSNP rs151291192, ClinGen allele CA5921413.

ClinVar aggregate classification (germline): Uncertain significance. Review status: criteria provided, multiple submitters, no conflicts (2 of 4 stars). 2 submissions from 2 submitters: Uncertain significance (2). Last evaluated 2023-12-06.

Conditions:
Inborn genetic diseases. Identifiers: MedGen C0950123, MeSH D030342.
Hyperekplexia 3 (HKPX3). Also called: HYPEREKPLEXIA 3, AUTOSOMAL RECESSIVE; HYPEREKPLEXIA 3, AUTOSOMAL DOMINANT. Identifiers: Orphanet 3197, MedGen C3553288, MONDO:0013827, OMIM 614618.

Allele frequency attached by ClinVar (database versions not stated): ExAC 0.00002.
gnomAD v4.1: 40 of 1,613,902 alleles (0.0025%); highest among the groups gnomAD compares: Non-Finnish European, 0.003%; no homozygotes.

Submissions (2):

Ambry Genetics
Classification: Uncertain significance for Inborn genetic diseases. Last evaluated: 2023-12-06. Review status: criteria provided, single submitter. Criteria: Ambry Variant Classification Scheme 2023. Collection method: clinical testing. Allele origin: germline.

Labcorp Genetics (formerly Invitae), Labcorp
Classification: Uncertain significance for Hyperekplexia 3. Last evaluated: 2022-07-22. Review status: criteria provided, single submitter. Criteria: Invitae Variant Classification Sherloc (09022015). Collection method: clinical testing. Allele origin: germline.
Comment: This sequence change replaces proline, which is neutral and non-polar, with threonine, which is neutral and polar, at codon 456 of the SLC6A5 protein (p.Pro456Thr). This variant is present in population databases (rs151291192, gnomAD 0.002%). This variant has not been reported in the literature in individuals affected with SLC6A5-related conditions. ClinVar contains an entry for this variant (Variation ID: 1499766). Advanced modeling of protein sequence and biophysical properties (such as structural, functional, and spatial information, amino acid conservation, physicochemical variation, residue mobility, and thermodynamic stability) performed at Invitae indicates that this missense variant is expected to disrupt SLC6A5 protein function. In summary, the available evidence is currently insufficient to determine the role of this variant in disease. Therefore, it has been classified as a Variant of Uncertain Significance.